The following is an entry in ClinVar:

NM_002778.4(PSAP):c.112A>T (p.Thr38Ser)

Gene: PSAP (prosaposin; minus strand). Cytogenetic location: 10q22.1.
Variant type: single nucleotide variant.
Coding change: c.112A>T on transcript NM_002778.4 (MANE Select); coding-DNA position 112, A replaced by T.
Protein change: p.Thr38Ser; replaces threonine 38 with serine.
Molecular consequence: missense variant.
Genome position (GRCh38, 1-based): chr10:71,834,434, T>A on the plus strand (A>T on the coding strand, the complement: PSAP is on the minus strand). VCF-style: chr10-71834434-T-A. GRCh37 (hg19) VCF-style: chr10-73594191-T-A.
Other names: c.112A>T, p.Thr38Ser (NM_001042465.3, NM_001042466.3); short protein forms T38S.
Identifiers: ClinVar variation 300534 (VCV000300534.6), dbSNP rs535525554, ClinGen allele CA5547902.

ClinVar aggregate classification (germline): Conflicting classifications of pathogenicity. Review status: criteria provided, conflicting classifications (1 of 4 stars). 5 submissions from 2 submitters: Uncertain significance (4); Likely benign (1). Last evaluated 2022-08-08.

Conditions:
Combined PSAP deficiency (PSAPD). Also called: COMBINED SAP DEFICIENCY; PROSAPOSIN DEFICIENCY; Encephalopathy due to prosaposin deficiency. Identifiers: Orphanet 139406, MedGen C2673635, MONDO:0012719, OMIM 611721.
Gaucher disease due to saposin C deficiency. Also called: Atypical Gaucher disease due to saposin C deficiency; Saposin C Deficiency. Identifiers: Orphanet 309252, Orphanet 355, MedGen C1864651, MONDO:0012517, OMIM 610539.
Krabbe disease due to saposin A deficiency. Also called: Saposin A Deficiency; KRABBE DISEASE, ATYPICAL, DUE TO SAPOSIN A DEFICIENCY. Identifiers: Orphanet 487, MedGen C2673266, MONDO:0012720, OMIM 611722.
Sphingolipid activator protein 1 deficiency. Also called: Saposin B Deficiency; METACHROMATIC LEUKODYSTROPHY DUE TO CEREBROSIDE SULFATASE ACTIVATOR DEFICIENCY; Metachromatic leukodystrophy due to saposin B deficiency. Identifiers: Orphanet 512, MedGen C0268262, MONDO:0009590, OMIM 249900.

Allele frequency attached by ClinVar (database versions not stated): gnomAD 0.00002; TOPMed 0.00002.
gnomAD v4.1: 68 of 1,613,864 alleles (0.0042%); highest among the groups gnomAD compares: Non-Finnish European, 0.0053%; no homozygotes.

Submissions (5):

Labcorp Genetics (formerly Invitae), Labcorp
Classification: Uncertain significance for Sphingolipid activator protein 1 deficiency. Last evaluated: 2022-08-08. Review status: criteria provided, single submitter. Criteria: Invitae Variant Classification Sherloc (09022015). Collection method: clinical testing. Allele origin: germline.
Comment: This sequence change replaces threonine, which is neutral and polar, with serine, which is neutral and polar, at codon 38 of the PSAP protein (p.Thr38Ser). This variant is present in population databases (rs535525554, gnomAD 0.006%). This variant has not been reported in the literature in individuals affected with PSAP-related conditions. ClinVar contains an entry for this variant (Variation ID: 300534). Algorithms developed to predict the effect of missense changes on protein structure and function are either unavailable or do not agree on the potential impact of this missense change (SIFT: "Not Available"; PolyPhen-2: "Probably Damaging"; Align-GVGD: "Not Available"). In summary, the available evidence is currently insufficient to determine the role of this variant in disease. Therefore, it has been classified as a Variant of Uncertain Significance.

Illumina Laboratory Services, Illumina
Classification: Uncertain significance for Sphingolipid activator protein 1 deficiency. Last evaluated: 2018-01-13. Review status: criteria provided, single submitter. Criteria: ICSL Variant Classification Criteria 13 December 2019. Collection method: clinical testing. Allele origin: germline.

Illumina Laboratory Services, Illumina
Classification: Likely benign for Gaucher disease due to saposin C deficiency. Last evaluated: 2018-01-13. Review status: criteria provided, single submitter. Criteria: ICSL Variant Classification Criteria 13 December 2019. Collection method: clinical testing. Allele origin: germline.
Comment: This variant was observed in the ICSL laboratory as part of a predisposition screen in an ostensibly healthy population. It had not been previously curated by ICSL or reported in the Human Gene Mutation Database (HGMD: prior to June 1st, 2018), and was therefore a candidate for classification through an automated scoring system. Utilizing variant allele frequency, disease prevalence and penetrance estimates, and inheritance mode, an automated score was calculated to assess if this variant is too frequent to cause the disease. Based on the score and internal cut-off values, a variant classified as likely benign is not then subjected to further curation. The score for this variant resulted in a classification of likely benign for this disease.

Illumina Laboratory Services, Illumina
Classification: Uncertain significance for Krabbe disease due to saposin A deficiency. Last evaluated: 2018-01-13. Review status: criteria provided, single submitter. Criteria: ICSL Variant Classification Criteria 13 December 2019. Collection method: clinical testing. Allele origin: germline.

Illumina Laboratory Services, Illumina
Classification: Uncertain significance for Combined PSAP deficiency. Last evaluated: 2018-01-13. Review status: criteria provided, single submitter. Criteria: ICSL Variant Classification Criteria 13 December 2019. Collection method: clinical testing. Allele origin: germline.